The following is an entry in ClinVar:

NM_001349999.2(RBFOX2):c.92C>G (p.Pro31Arg)

Gene: RBFOX2 (RNA binding fox-1 homolog 2; minus strand). Cytogenetic location: 22q12.3.
Variant type: single nucleotide variant.
Coding change: c.92C>G on transcript NM_001349999.2 (MANE Select); coding-DNA position 92, C replaced by G.
Protein change: p.Pro31Arg; replaces proline 31 with arginine.
Molecular consequence: missense variant.
Genome position (GRCh38, 1-based): chr22:36,028,334, G>C on the plus strand (C>G on the coding strand, the complement: RBFOX2 is on the minus strand). VCF-style: chr22-36028334-G-C. GRCh37 (hg19) VCF-style: chr22-36424382-G-C.
Other names: c.92C>G, p.Pro31Arg (NM_001082578.4, NM_001082579.3, NM_001394108.1 and 7 more transcripts); short protein forms P31R.
Identifiers: ClinVar variation 4717181 (VCV004717181.1).

ClinVar aggregate classification (germline): Uncertain significance (1 of 4 stars; one submission).

gnomAD v4.1: 7 of 1,497,774 alleles (0.00047%); highest among the groups gnomAD compares: Admixed American, 0.01%; no homozygotes.

Submission:

Labcorp Genetics (formerly Invitae), Labcorp
Classification: Uncertain significance. Last evaluated: 2025-04-17. Review status: criteria provided, single submitter. Criteria: Invitae Variant Classification Sherloc (09022015). Collection method: clinical testing. Allele origin: germline.
Comment: This sequence change replaces proline, which is neutral and non-polar, with arginine, which is basic and polar, at codon 31 of the RBFOX2 protein (p.Pro31Arg). This variant is present in population databases (no rsID available, gnomAD 0.02%). This variant has not been reported in the literature in individuals affected with RBFOX2-related conditions. An algorithm developed to predict the effect of missense changes on protein structure and function (PolyPhen-2) suggests that this variant is likely to be tolerated. In summary, the available evidence is currently insufficient to determine the role of this variant in disease. Therefore, it has been classified as a Variant of Uncertain Significance.